The following is an entry in ClinVar:

ClinVar aggregate classification (germline): Benign (1 of 4 stars; one submission).

Conditions:
DICER1-related tumor predisposition. Also called: DICER1 syndrome; DICER1-related pleuropulmonary blastoma cancer predisposition syndrome. Identifiers: Orphanet 284343, MedGen C3839822, MONDO:0100216.

Allele frequency attached by ClinVar (database versions not stated): TOPMed 0.00009; gnomAD 0.00011 and 0.00024; gnomAD exomes 0.00012; 1000 Genomes Project 0.00080; 1000 Genomes Project 30x 0.00109.
gnomAD v4.1: 47 of 232,928 alleles (0.02%); highest among the groups gnomAD compares: South Asian, 0.36%; 1 homozygote.

Submission:

Illumina Laboratory Services, Illumina
Classification: Benign for Pleuropulmonary blastoma. Last evaluated: 2018-01-13. Review status: criteria provided, single submitter. Criteria: ICSL Variant Classification Criteria 13 December 2019. Collection method: clinical testing. Allele origin: germline.
Comment: This variant was observed in the ICSL laboratory as part of a predisposition screen in an ostensibly healthy population. It had not been previously curated by ICSL or reported in the Human Gene Mutation Database (HGMD: prior to June 1st, 2018), and was therefore a candidate for classification through an automated scoring system. Utilizing variant allele frequency, disease prevalence and penetrance estimates, and inheritance mode, an automated score was calculated to assess if this variant is too frequent to cause the disease. Based on the score and internal cut-off values, a variant classified as benign is not then subjected to further curation. The score for this variant resulted in a classification of benign for this disease.

NM_177438.3(DICER1):c.*2493G>A

Gene: DICER1 (dicer 1, ribonuclease III; minus strand). Cytogenetic location: 14q32.13.
Variant type: single nucleotide variant.
Coding change: c.*2493G>A on transcript NM_177438.3 (MANE Select); 2493 bases downstream of the stop codon, G replaced by A.
Molecular consequence: 3 prime UTR variant.
Genome position (GRCh38, 1-based): chr14:95,088,005, C>T on the plus strand (G>A on the coding strand, the complement: DICER1 is on the minus strand). VCF-style: chr14-95088005-C-T. GRCh37 (hg19) VCF-style: chr14-95554342-C-T.
Other names: c.*2609G>A (NM_001195573.1); c.*2493G>A (NM_001271282.3, NM_001291628.2, NM_030621.4).
Identifiers: ClinVar variation 886807 (VCV000886807.5), dbSNP rs556464130, ClinGen allele CA265893203.